The following is an entry in ClinVar:

NM_004036.5(ADCY3):c.2619G>A (p.Glu873=)

Gene: ADCY3 (adenylate cyclase 3; minus strand). Cytogenetic location: 2p23.3.
Variant type: single nucleotide variant.
Coding change: c.2619G>A on transcript NM_004036.5 (MANE Select); coding-DNA position 2619, G replaced by A.
Protein change: p.Glu873=; no amino-acid change (glutamic acid 873 retained).
Molecular consequence: synonymous variant.
Genome position (GRCh38, 1-based): chr2:24,824,495, C>T on the plus strand (G>A on the coding strand, the complement: ADCY3 is on the minus strand). VCF-style: chr2-24824495-C-T. GRCh37 (hg19) VCF-style: chr2-25047364-C-T.
Other names: c.2622G>A, p.Glu874= (NM_001320613.2); c.2685G>A, p.Glu895= (NM_001377128.1); c.2481G>A, p.Glu827= (NM_001377129.1); c.2214G>A, p.Glu738= (NM_001377130.1); c.1896G>A, p.Glu632= (NM_001377131.1); c.2619G>A, p.Glu873= (NM_001377132.1).
Identifiers: ClinVar variation 3344707 (VCV003344707.1).
Genomic context (GRCh38, chr2:24,824,495, plus strand): 5'-GGTGACCAAGGCCTCGTTCCAGCGTCGCATCTCATAGACACGTTCCTTCTGGTCGTGGAC[C>T]TCAATCTTCCACAAGAAAAGTGTCCGTGCCAGTTTTTCTACCTACAGACACAGACAAGGC-3'
Protein context (NP_004027.2, residues 863-883): LARTLFLWKI[Glu873=]VHDQKERVYE

ClinVar aggregate classification (germline): Likely benign (0 of 4 stars; one submission).

Conditions:
ADCY3-related disorder. Also called: ADCY3-related condition.

gnomAD v4.1: 1 of 1,614,230 alleles (0.000062%); highest among the groups gnomAD compares: South Asian, 0.0011%; no homozygotes.

Submission:

PreventionGenetics, part of Exact Sciences
Classification: Likely benign for ADCY3-related condition. Last evaluated: 2024-05-22. Review status: no assertion criteria provided. Collection method: clinical testing. Allele origin: germline.
Comment: This variant is classified as likely benign based on ACMG/AMP sequence variant interpretation guidelines (Richards et al. 2015 PMID: 25741868, with internal and published modifications).